The following is an entry in ClinVar:

NM_007294.4(BRCA1):c.922_923del (p.Ser308fs)

Gene: BRCA1 (BRCA1 DNA repair associated; minus strand). Cytogenetic location: 17q21.31.
Variant type: Deletion.
Coding change: c.922_923del on transcript NM_007294.4 (MANE Select); coding-DNA positions 922 to 923, 2 bases deleted (AG; older notation c.922_923delAG).
Protein change: p.Ser308fs; shifts the reading frame from serine 308.
Molecular consequence: frameshift variant. On other transcripts: intron variant (137).
Genome position (GRCh38, 1-based): chr17:43,094,608-43,094,609, CT deleted on the plus strand (AG on the coding strand, the reverse complement: BRCA1 is on the minus strand). VCF-style (leftmost placement, unchanged base first): chr17-43094607-GCT-G. GRCh37 (hg19) VCF-style: chr17-41246624-GCT-G.
Other names: 1041delAG; c.778_779del, p.Ser260fs (NM_001407845.1, NM_001407846.1, NM_001407847.1 and 20 more transcripts); c.781_782del, p.Ser261fs (NM_001407850.1, NM_001407851.1, NM_001407852.1 and 29 more transcripts); c.709_710del, p.Ser237fs (NM_001407853.1, NM_001407894.1, NM_001407895.1 and 9 more transcripts); c.922_923del, p.Ser308fs (NM_001407854.1, NM_001407858.1, NM_001407859.1 and 30 more transcripts); c.919_920del, p.Ser307fs (NM_001407860.1, NM_001407861.1, NM_001407587.1 and 22 more transcripts); c.721_722del, p.Ser241fs (NM_001407862.1); c.799_800del, p.Ser267fs (NM_001407863.1, NM_001407919.1, NM_001407937.1 and 19 more transcripts); and 41 more; short protein forms S308fs, S261fs, S140fs, S180fs, S220fs, S260fs, S12fs, S196fs.
Identifiers: ClinVar variation 55752 (VCV000055752.4), dbSNP rs80357644, ClinGen allele CA003963.

ClinVar aggregate classification (germline): Pathogenic. Review status: reviewed by expert panel (3 of 4 stars). 2 submissions from 2 submitters: Pathogenic (1). 1 of the submissions does not count toward it. Last evaluated 2016-09-08.

Conditions:
Breast-ovarian cancer, familial, susceptibility to, 1 (BROVCA1). Also called: BRCA1 Hereditary Breast and Ovarian Cancer; OVARIAN CANCER, SUSCEPTIBILITY TO. Identifiers: Orphanet 145, MedGen C2676676, MONDO:0011450, OMIM 604370. Disease mechanism: loss of function.

Submissions (2):

Evidence-based Network for the Interpretation of Germline Mutant Alleles (ENIGMA)
Classification: Pathogenic for Breast-ovarian cancer, familial, susceptibility to, 1. Last evaluated: 2016-09-08. Review status: reviewed by expert panel. Criteria: ENIGMA BRCA1/2 Classification Criteria (2015). Collection method: curation. Allele origin: germline.
Comment: Variant allele predicted to encode a truncated non-functional protein.

Breast Cancer Information Core (BIC) (BRCA1)
Classification: Pathogenic for Breast-ovarian cancer, familial 1. Last evaluated: 2002-06-20. Review status: no assertion criteria provided. Collection method: clinical testing. Allele origin: germline. Affected: yes. Observed: 2 variant alleles. Not counted in ClinVar's aggregate classification.